The following is an entry in ClinVar:

NM_001122630.2(CDKN1C):c.64C>T (p.Leu22Phe)

Gene: CDKN1C (cyclin dependent kinase inhibitor 1C; minus strand). Cytogenetic location: 11p15.4.
Variant type: single nucleotide variant.
Coding change: c.64C>T on transcript NM_001122630.2 (MANE Select); coding-DNA position 64, C replaced by T.
Protein change: p.Leu22Phe; replaces leucine 22 with phenylalanine.
Molecular consequence: missense variant.
Genome position (GRCh38, 1-based): chr11:2,885,393, G>A on the plus strand (C>T on the coding strand, the complement: CDKN1C is on the minus strand). VCF-style: chr11-2885393-G-A. GRCh37 (hg19) VCF-style: chr11-2906623-G-A.
Other names: c.97C>T, p.Leu33Phe (NM_000076.2, NM_001362474.2); c.64C>T, p.Leu22Phe (NM_001122631.2, NM_001362475.2); short protein forms L33F, L22F.
Identifiers: ClinVar variation 1436895 (VCV001436895.6), dbSNP rs2133786375, ClinGen allele CA379147784.

ClinVar aggregate classification (germline): Uncertain significance (1 of 4 stars; one submission).

Conditions:
Beckwith-Wiedemann syndrome (BWS). Also called: EMG SYNDROME; Exomphalos macroglossia gigantism syndrome. Identifiers: Orphanet 116, MedGen C0004903, MONDO:0007534, OMIM 130650.

Allele frequency attached by ClinVar (database versions not stated): gnomAD exomes below 0.00001.

Submission:

Labcorp Genetics (formerly Invitae), Labcorp
Classification: Uncertain significance for Beckwith-Wiedemann syndrome. Last evaluated: 2021-07-27. Review status: criteria provided, single submitter. Criteria: Invitae Variant Classification Sherloc (09022015). Collection method: clinical testing. Allele origin: germline.
Comment: This variant disrupts the p.Leu33 amino acid residue in CDKN1C. Other variant(s) that disrupt this residue have been observed in individuals with CDKN1C-related conditions (PMID: 11106355, 20503313), which suggests that this may be a clinically significant amino acid residue. In summary, the available evidence is currently insufficient to determine the role of this variant in disease. Therefore, it has been classified as a Variant of Uncertain Significance. Algorithms developed to predict the effect of missense changes on protein structure and function are either unavailable or do not agree on the potential impact of this missense change (SIFT: "Deleterious"; PolyPhen-2: "Probably Damaging"; Align-GVGD: "Class C15"). This variant has not been reported in the literature in individuals affected with CDKN1C-related conditions. This variant is not present in population databases (ExAC no frequency). This sequence change replaces leucine with phenylalanine at codon 33 of the CDKN1C protein (p.Leu33Phe). The leucine residue is highly conserved and there is a small physicochemical difference between leucine and phenylalanine.

Literature cited by the submitters: PubMed 11106355; PubMed 20503313.